The following is an entry in ClinVar:

NM_000238.4(KCNH2):c.1557+1G>C

Gene: KCNH2 (potassium voltage-gated channel subfamily H member 2; minus strand). Cytogenetic location: 7q36.1.
Variant type: single nucleotide variant.
Coding change: c.1557+1G>C on transcript NM_000238.4 (MANE Select); the canonical splice donor site of the intron after coding-DNA position 1557, G replaced by C.
Molecular consequence: splice donor variant.
Genome position (GRCh38, 1-based): chr7:150,952,424, C>G on the plus strand (G>C on the coding strand, the complement: KCNH2 is on the minus strand). VCF-style: chr7-150952424-C-G. GRCh37 (hg19) VCF-style: chr7-150649512-C-G.
Other names: c.1269+1G>C (NM_001406753.1, NM_001406756.1); c.537+1G>C (NM_172057.3, NM_001204798.2); c.1557+1G>C (NM_172056.3); c.1380+1G>C (NM_001406755.1); c.1257+1G>C (NM_001406757.1).
Identifiers: ClinVar variation 439845 (VCV000439845.18), dbSNP rs886039043, ClinGen allele CA369859377.

ClinVar aggregate classification (germline): Pathogenic/Likely pathogenic. Review status: criteria provided, multiple submitters, no conflicts (2 of 4 stars). 5 submissions from 5 submitters: Pathogenic (2); Likely pathogenic (3). Last evaluated 2026-06-30.

Conditions:
Long QT syndrome (LQTS). Identifiers: MedGen C0023976, MeSH D008133, MONDO:0002442. Disease mechanism: loss of function. Inheritance: Various modes of inheritance.
Cardiovascular phenotype. Identifiers: MedGen CN230736.
Long QT syndrome 2 (LQT2). Identifiers: Orphanet 101016, Orphanet 768, MedGen C3150943, MONDO:0013367, OMIM 613688.

Submissions (5):

Ambry Genetics
Classification: Likely pathogenic for Cardiovascular phenotype. Last evaluated: 2026-06-30. Review status: criteria provided, single submitter. Criteria: Ambry Variant Classification Scheme 2023. Collection method: clinical testing. Allele origin: germline.
Comment: The c.1557+1G>C intronic variant results from a G to C substitution one nucleotide after coding exon 6 of the KCNH2 gene. Variants that disrupt the canonical splice site are expected to result in aberrant splicing. In silico splice site analysis predicts that this alteration will weaken the native splice donor site and will result in the creation or strengthening of a novel splice donor site. A resulting transcript is predicted to be in-frame and is not expected to trigger nonsense-mediated mRNAdecay; although, direct evidence is unavailable. However, the region predicted to be impacted is critical for protein function (Ambry internal data). This variant was reported in individual(s) with features consistent with long QT syndrome (Burns C et al. J Arrhythm, 2016 Dec;32:456-461). This variant is considered to be rare based on population cohorts in the Genome Aggregation Database (gnomAD). This nucleotide position is highly conserved in available vertebrate species. Based on the majority of available evidence to date, this variant is likely to be pathogenic.

Victorian Clinical Genetics Services, Murdoch Childrens Research Institute
Classification: Pathogenic for Long QT syndrome 2. Last evaluated: 2026-03-02. Review status: criteria provided, single submitter. Criteria: ACMG Guidelines, 2015. Collection method: clinical testing. Allele origin: germline. Affected: yes.
Comment: This variant is classified as Pathogenic. Evidence in support of pathogenic classification: Canonical splice site variant without proven consequence on splicing (no functional evidence available); Variant is absent from gnomAD (v2, v3 and v4); This variant has strong previous evidence of pathogenicity in unrelated individuals. This variant has been classified as likely pathogenic or pathogenic in ClinVar, and reported in the literature or observed in the VCGS cohort in at least five unrelated individuals with LQTS (PMID: 19716085, PMID: 27920829); Other canonical splice variants comparable to the one identified in this case have moderate previous evidence for pathogenicity. c.1557+1G>A and c.1557+2T>C have been classified as pathogenic in ClinVar, and reported in the literature in individuals with long QT syndrome (PMID: 26669661, PMID: 32893267); Abnormal splicing is predicted by in silico tools and affected nucleotide is highly conserved. Additional information: This variant is heterozygous; This gene is associated with autosomal dominant disease; Dominant negative and loss of function are known mechanisms of disease in this gene and are associated with long QT syndrome 2 (MIM#613688). Gain of function is also a known mechanism associated with short QT syndrome 1 (MIM#609620) (OMIM, PMID: 10753933; PMID: 21777565); The condition associated with this gene has incomplete penetrance (PMID: 20301308); Inheritance information for this variant is not currently available in this individual.

GeneDx
Classification: Likely pathogenic. Last evaluated: 2024-10-30. Review status: criteria provided, single submitter. Criteria: GeneDx Variant Classification Process June 2021. Collection method: clinical testing. Allele origin: germline. Affected: yes.
Comment: Identified in a patient referred for LQTS genetic testing in the published literature (Kapplinger at al., 2009); Not observed at significant frequency in large population cohorts (gnomAD); Canonical splice site variant expected to result in aberrant splicing, although in the absence of functional evidence the actual effect of this sequence change is unknown; This variant is associated with the following publications: (PMID: 25525159, 19716085)

Labcorp Genetics (formerly Invitae), Labcorp
Classification: Likely pathogenic for Long QT syndrome. Last evaluated: 2023-11-10. Review status: criteria provided, single submitter. Criteria: Invitae Variant Classification Sherloc (09022015). Collection method: clinical testing. Allele origin: germline.
Comment: This sequence change affects a donor splice site in intron 6 of the KCNH2 gene. It is expected to disrupt RNA splicing. Variants that disrupt the donor or acceptor splice site typically lead to a loss of protein function (PMID: 16199547), and loss-of-function variants in KCNH2 are known to be pathogenic (PMID: 10973849, 19862833). This variant is not present in population databases (gnomAD no frequency). Disruption of this splice site has been observed in individual(s) with clinical features of long QT syndrome (PMID: 19716085, 26496715, 27920829). ClinVar contains an entry for this variant (Variation ID: 439845). Algorithms developed to predict the effect of sequence changes on RNA splicing suggest that this variant may disrupt the consensus splice site. In summary, the currently available evidence indicates that the variant is pathogenic, but additional data are needed to prove that conclusively. Therefore, this variant has been classified as Likely Pathogenic.

ARUP Laboratories, Molecular Genetics and Genomics, ARUP Laboratories
Classification: Pathogenic. Last evaluated: 2016-10-24. Review status: criteria provided, single submitter. Criteria: ARUP Molecular Germline Variant Investigation Process. Collection method: clinical testing. Allele origin: germline.

Literature cited by the submitters: PubMed 19716085 (cited by 3 submitters); PubMed 27920829 (cited by 3 submitters); PubMed 21777565 (cited by Victorian Clinical Genetics Services, Murdoch Childrens Research Institute); PubMed 32893267 (cited by Victorian Clinical Genetics Services, Murdoch Childrens Research Institute); PubMed 10753933 (cited by Victorian Clinical Genetics Services, Murdoch Childrens Research Institute); PubMed 20301308 (cited by Victorian Clinical Genetics Services, Murdoch Childrens Research Institute); PubMed 26669661 (cited by Victorian Clinical Genetics Services, Murdoch Childrens Research Institute); PubMed 16199547 (cited by Labcorp Genetics (formerly Invitae), Labcorp); PubMed 10973849 (cited by Labcorp Genetics (formerly Invitae), Labcorp); PubMed 19862833 (cited by Labcorp Genetics (formerly Invitae), Labcorp); PubMed 26496715 (cited by Labcorp Genetics (formerly Invitae), Labcorp).